The following is an entry in ClinVar:

NM_000051.4(ATM):c.2436G>A (p.Met812Ile)

Gene: ATM (ATM serine/threonine kinase; plus strand). Cytogenetic location: 11q22.3.
Variant type: single nucleotide variant.
Coding change: c.2436G>A on transcript NM_000051.4 (MANE Select); coding-DNA position 2436, G replaced by A.
Protein change: p.Met812Ile; replaces methionine 812 with isoleucine.
Molecular consequence: missense variant.
Genome position (GRCh38, 1-based): chr11:108,259,045, G>A. VCF-style: chr11-108259045-G-A. GRCh37 (hg19) VCF-style: chr11-108129772-G-A.
Other names: c.2436G>A, p.Met812Ile (NM_001351834.2); short protein forms M812I.
Identifiers: ClinVar variation 230655 (VCV000230655.20), dbSNP rs876658688, ClinGen allele CA10579054.
Genomic context (GRCh38, chr11:108,259,045, plus strand): 5'-GAAGAGTCCAAATAAGATTGCATCTGGCTTTTTCCTGCGATTGTTAACATCAAAGCTAAT[G>A]AATGACATTGCAGATATTTGTAAAAGTTTAGTAAGTATGCTTCCTGTTTTGCTATCATAT-3'
Protein context (NP_000042.3, residues 802-822): FFLRLLTSKL[Met812Ile]NDIADICKSL

ClinVar aggregate classification (germline): Uncertain significance. Review status: criteria provided, multiple submitters, no conflicts (2 of 4 stars). 6 submissions from 6 submitters: Uncertain significance (6). Last evaluated 2025-05-13.

Conditions:
Hereditary cancer-predisposing syndrome. Also called: Hereditary Cancer Syndrome; Neoplastic Syndromes, Hereditary; Tumor predisposition; Hereditary neoplastic syndrome. Identifiers: Orphanet 140162, MedGen C0027672, MeSH D009386, MONDO:0015356.
Familial cancer of breast. Also called: Hereditary breast cancer; hereditary breast carcinoma; BREAST CANCER, FAMILIAL. Identifiers: Orphanet 227535, MedGen C0346153, MONDO:0016419, OMIM 114480. Disease mechanism: loss of function.
Ataxia-telangiectasia syndrome (AT). Also called: Ataxia telangiectasia (A-T); Ataxia-telangiectasia, complementation group E; LOUIS-BAR SYNDROME; Cerebello-oculocutaneous telangiectasia; Immunodeficiency with ataxia telangiectasia; Ataxia-telangiectasia, complementation group D. Identifiers: Orphanet 100, MedGen C0004135, MONDO:0008840, OMIM 208900.

Submissions (6):

Labcorp Genetics (formerly Invitae), Labcorp
Classification: Uncertain significance for Ataxia-telangiectasia syndrome. Last evaluated: 2025-05-13. Review status: criteria provided, single submitter. Criteria: Invitae Variant Classification Sherloc (09022015). Collection method: clinical testing. Allele origin: germline.
Comment: This sequence change replaces methionine, which is neutral and non-polar, with isoleucine, which is neutral and non-polar, at codon 812 of the ATM protein (p.Met812Ile). This variant is not present in population databases (gnomAD no frequency). This variant has not been reported in the literature in individuals affected with ATM-related conditions. ClinVar contains an entry for this variant (Variation ID: 230655). Invitae Evidence Modeling of protein sequence and biophysical properties (such as structural, functional, and spatial information, amino acid conservation, physicochemical variation, residue mobility, and thermodynamic stability) indicates that this missense variant is not expected to disrupt ATM protein function with a negative predictive value of 95%. In summary, the available evidence is currently insufficient to determine the role of this variant in disease. Therefore, it has been classified as a Variant of Uncertain Significance.

GeneDx
Classification: Uncertain significance. Last evaluated: 2024-04-18. Review status: criteria provided, single submitter. Criteria: GeneDx Variant Classification Process June 2021. Collection method: clinical testing. Allele origin: germline. Affected: yes.
Comment: Not observed at significant frequency in large population cohorts (gnomAD); In silico analysis indicates that this missense variant does not alter protein structure/function; Has not been previously published as pathogenic or benign to our knowledge

Baylor Genetics
Classification: Uncertain significance for Familial cancer of breast. Last evaluated: 2024-03-25. Review status: criteria provided, single submitter. Criteria: ACMG Guidelines, 2015. Collection method: clinical testing. Allele origin: unknown.

Color Diagnostics, LLC DBA Color Health
Classification: Uncertain significance for Hereditary cancer-predisposing syndrome. Last evaluated: 2023-12-05. Review status: criteria provided, single submitter. Criteria: ACMG Guidelines, 2015. Collection method: clinical testing. Allele origin: germline.
Comment: This missense variant replaces methionine with isoleucine at codon 812 of the ATM protein. Computational prediction suggests that this variant may not impact protein structure and function (internally defined REVEL score threshold <= 0.5, PMID: 27666373). To our knowledge, functional studies have not been reported for this variant. This variant has not been reported in individuals affected with ATM-related disorders in the literature. This variant has not been identified in the general population by the Genome Aggregation Database (gnomAD). The available evidence is insufficient to determine the role of this variant in disease conclusively. Therefore, this variant is classified as a Variant of Uncertain Significance.

KCCC/NGS Laboratory, Kuwait Cancer Control Center
Classification: Uncertain significance for Familial cancer of breast. Last evaluated: 2023-06-06. Review status: criteria provided, single submitter. Criteria: ACMG Guidelines, 2015. Collection method: clinical testing. Allele origin: germline. Affected: yes.
Comment: a variant of unknown significance was detected in the ATM gene (c.2436G>A). This sequence change replaces methionine with isoleucine at codon 812 of the ATM protein (p.Met812Ile). This variant is not present in population databases (ExAC no frequency). In-silico predictions show benign computational verdict based on 10 benign predictions from BayesDel_addAF, DANN, DEOGEN2, EIGEN, LIST-S2, M-CAP, MVP, MutationTaster, PrimateAI and SIFT vs 2 pathogenic predictions from FATHMM-MKL and MutationAssessor and the position is not strongly conserved. This variant has not been reported in the literature in individuals with ATM-related disease. ClinVar contains an entry for this variant (Variation ID: 230655) with 3 submissions, all of which describe it as of uncertain significance, two stars, no conflicts. Therefore, it has been classified as a Variant of Uncertain Significance.

Ambry Genetics
Classification: Uncertain significance for Hereditary cancer-predisposing syndrome. Last evaluated: 2023-03-27. Review status: criteria provided, single submitter. Criteria: Ambry Variant Classification Scheme 2023. Collection method: clinical testing. Allele origin: germline.
Comment: The p.M812I variant (also known as c.2436G>A), located in coding exon 15 of the ATM gene, results from a G to A substitution at nucleotide position 2436. The methionine at codon 812 is replaced by isoleucine, an amino acid with highly similar properties. This amino acid position is not well conserved in available vertebrate species. In addition, this alteration is predicted to be tolerated by in silico analysis. Since supporting evidence is limited at this time, the clinical significance of this alteration remains unclear.